The following is an entry in ClinVar:

ClinVar aggregate classification (germline): Pathogenic. Review status: criteria provided, multiple submitters, no conflicts (2 of 4 stars). 26 submissions from 25 submitters: Pathogenic (23). 3 of the submissions do not count toward it. Last evaluated 2026-09-01.

Conditions:
Fetal anomalies with a likely genetic cause.
CCDC40-related disorder. Also called: CCDC40-related condition.
Primary ciliary dyskinesia. Also called: Ciliary dyskinesia. Identifiers: Orphanet 244, MedGen C0008780, MONDO:0016575, HP:0012265.
Primary ciliary dyskinesia 15. Also called: CILIARY DYSKINESIA, PRIMARY, 15, WITH OR WITHOUT SITUS INVERSUS. Identifiers: Orphanet 244, MedGen C3151137, MONDO:0013435, OMIM 613808.

Allele frequency attached by ClinVar (database versions not stated): gnomAD 0.00027 and 0.00029; 1000 Genomes Project 30x 0.00031; TOPMed 0.00032; gnomAD exomes 0.00044 and 0.00061; ExAC 0.00048; ESP Exome Variant Server 0.00067.

Submissions 1 to 16 of 26:

Genetics Laboratory, Great Ormond Street Hospital NHS Foundation Trust, North Thames Genomic Laboratory Hub
Classification: Pathogenic for Fetal anomalies with a likely genetic cause. Last evaluated: 2026-09-01. Review status: criteria provided, single submitter. Criteria: ACGS Best Practice Guidelines for Variant Classification in Rare Disease 2024 v1.2. Collection method: clinical testing. Allele origin: germline. Affected: yes.
Comment: PS4_moderate, PVS1_very-strong

Department of Human Genetics, Hannover Medical School
Classification: Pathogenic for Primary Ciliary Dyskinesia. Last evaluated: 2026-04-01. Review status: criteria provided, single submitter. Criteria: ACMG Guidelines, 2015. Collection method: research. Allele origin: germline. Affected: yes.
Comment: Classification performed by HerediClassify using the following criteria:['PVS1_very_strong: Transcript ENST00000397545 is predicted to undergo NMD.', 'PM2_supporting: Variant occures does not occur as homozygous in gnomAD.', 'PVS1_protein_very_strong: ', "PP4_supporting: The modified PICADAR socre of 2.0 exceeds threshold of 2 achieving 'supporting' evidence strength."]

Labcorp Genetics (formerly Invitae), Labcorp
Classification: Pathogenic for Primary ciliary dyskinesia. Last evaluated: 2026-01-20. Review status: criteria provided, single submitter. Criteria: Invitae Variant Classification Sherloc (09022015). Collection method: clinical testing. Allele origin: germline.
Comment: This sequence change creates a premature translational stop signal (p.Ala83Valfs*84) in the CCDC40 gene. It is expected to result in an absent or disrupted protein product. Loss-of-function variants in CCDC40 are known to be pathogenic (PMID: 21131974, 22693285, 23255504). This variant is present in population databases (rs397515393, gnomAD 0.08%). This premature translational stop signal has been observed in individuals with primary ciliary dyskinesia (PMID: 21131974, 22693285, 23255504, 25619595). ClinVar contains an entry for this variant (Variation ID: 31069). For these reasons, this variant has been classified as Pathogenic.

PreventionGenetics, part of Exact Sciences
Classification: Pathogenic for CCDC40-related condition. Last evaluated: 2025-12-15. Review status: criteria provided, single submitter. Criteria: ACMG Guidelines, 2015. Collection method: clinical testing. Allele origin: germline.
Comment: The CCDC40 c.248delC variant is predicted to result in a frameshift and premature protein termination (p.Ala83Valfs*84). This variant has been reported in the compound heterozygous and homozygous states in many unrelated individuals with primary ciliary dyskinesia (Becker-Heck et al. 2011. PubMed ID: 21131974; Zariwala et al. 2013. PubMed ID: 23891469; Table S3, Blanchon et al. 2019. PubMed ID: 31772028; Fassad et al. 2019. PubMed ID: 31879361). Frameshift variants in CCDC40 are expected to be pathogenic. This variant is interpreted as pathogenic.

Mayo Clinic Laboratories, Mayo Clinic
Classification: Pathogenic. Last evaluated: 2025-09-18. Review status: criteria provided, single submitter. Criteria: ACMG Guidelines, 2015. Collection method: clinical testing. Allele origin: germline. Observed: 1 variant allele.
Comment: PM2_supporting, PM3_very_strong, PVS1

Ambry Genetics
Classification: Pathogenic for Primary ciliary dyskinesia. Last evaluated: 2025-08-26. Review status: criteria provided, single submitter. Criteria: Ambry Variant Classification Scheme 2023. Collection method: clinical testing. Allele origin: germline.
Comment: The c.248delC alteration, located in exon 3 (coding exon 3) of the CCDC40 gene, consists of a deletion of one nucleotide at position 248, causing a translational frameshift with a predicted alternate stop codon after amino acids. This alteration is expected to result in loss of function by premature protein truncation or nonsense-mediated mRNA decay. Based on data from gnomAD, the c.248delC allele has an overall frequency of 0.043% (119/278616) total alleles studied. The highest observed frequency was 0.078% (99/126388) of European (non-Finnish) alleles. This variant has been identified in multiple homozygous and compound heterozygous individuals with primary ciliary dyskinesia (Becker-Heck, 2011; Antony, 2013; Wilken, 2024). Based on the available evidence, this alteration is classified as pathogenic.

Revvity Omics, Revvity
Classification: Pathogenic for Primary ciliary dyskinesia 15. Last evaluated: 2025-07-09. Review status: criteria provided, single submitter. Criteria: ACMG Guidelines, 2015. Collection method: clinical testing. Allele origin: germline.

CeGaT Center for Human Genetics Tuebingen
Classification: Pathogenic. Last evaluated: 2025-07-01. Review status: criteria provided, single submitter. Criteria: CeGaT Center For Human Genetics Tuebingen Variant Classification Criteria Version 2. Collection method: clinical testing. Allele origin: germline. Affected: yes. Observed: 2 variant alleles.
Comment: CCDC40: PM3:Very Strong, PVS1, PM2

Dasa
Classification: Pathogenic. Last evaluated: 2025-06-08. Review status: criteria provided, single submitter. Criteria: DASA Assertion Criteria. Collection method: clinical testing. Allele origin: germline.
Comment: NM_017950.4(CCDC40):c.248del (p.Ala83Valfs*84) is a frameshift variant in CCDC40 predicted to alter the reading frame and introduce a premature termination codon and is predicted to result in an absent or altered protein product. Loss of function is an established disease mechanism for CCDC40-associated disorders. This variant has been reported in individuals with CCDC40-related disorders (PMID: 21131974). Published studies describe this variant in association with related phenotype (PMID: 36873931; PMID: 21131974; PMID: 22499950; PMID: 23255504; PMID: 22693285). Also, this variant is rare in population databases. Based on the currently available evidence, this variant is classified as pathogenic.

Department of Human Genetics, Hannover Medical School
Classification: Pathogenic for Primary ciliary dyskinesia 15. Last evaluated: 2025-04-17. Review status: criteria provided, single submitter. Criteria: ACMG Guidelines, 2015. Collection method: clinical testing. Allele origin: germline. Inheritance: Autosomal recessive inheritance. Affected: yes.
Comment: ACMG: PVS1, PM2_Supporting, PM3_VeryStrong

Clinical Genetics Laboratory, Skane University Hospital Lund
Classification: Pathogenic. Last evaluated: 2024-03-01. Review status: criteria provided, single submitter. Criteria: ACMG Guidelines, 2015. Collection method: clinical testing. Allele origin: germline. Affected: yes.

Laboratory for Molecular Medicine, Mass General Brigham Personalized Medicine
Classification: Pathogenic for Primary ciliary dyskinesia. Last evaluated: 2024-02-22. Review status: criteria provided, single submitter. Criteria: ACMG Guidelines, 2015. Collection method: clinical testing. Allele origin: germline. Inheritance: Autosomal recessive inheritance.
Comment: The p.Ala83ValfsX84 variant in CCDC40 has been previously reported in 19 homozygous and 7 compound heterozygous individuals with primary ciliary dyskinesia (PCD) and segregated with disease in 1 homozygous affected relative (Becker-Heck 2011 PMID: 21131974, Nakhleh 2012 PMID: 22499950, Antony 2013 PMID: 23255504, Zariwala 2013 PMID: 23891469). This variant has been identified in 0.074% (860/1167354) of non-Finnish European chromosomes by gnomAD. However, this frequency is low enough to be consistent with a recessive allele frequency. This variant has also been reported in ClinVar (Variation ID 31069). This variant is predicted to cause a frameshift, which alters the protein’s amino acid sequence beginning at position 83 and leads to a premature termination codon 84 amino acids downstream. This alteration is then predicted to lead to a truncated or absent protein. Functional studies indicate that loss of CCDC40 function results in abnormal cilia structure and motility (Becker-Heck 2011 PMID: 21131974). In summary, this variant meets criteria to be classified as pathogenic for autosomal recessive primary ciliary dyskinesia. ACMG/AMP Criteria applied: PVS1, PM3_VeryStrong, PM2_Supporting, PP1.

Blueprint Genetics
Classification: Pathogenic for CCDC40-related disorders. Last evaluated: 2024-01-16. Review status: criteria provided, single submitter. Criteria: ACMG Guidelines, 2015. Collection method: clinical testing. Allele origin: germline. Affected: yes. Observed: 5 variant alleles.

GeneDx
Classification: Pathogenic. Last evaluated: 2022-04-25. Review status: criteria provided, single submitter. Criteria: GeneDx Variant Classification Process June 2021. Collection method: clinical testing. Allele origin: germline. Affected: yes.
Comment: Frameshift variant predicted to result in protein truncation or nonsense mediated decay in a gene for which loss-of-function is a known mechanism of disease; This variant is associated with the following publications: (PMID: 29363216, 23891469, 22499950, 21131974, 23255504, 31772028, 31879361, 31980526, 25619595, 22693285)

Fulgent Genetics
Classification: Pathogenic for Primary ciliary dyskinesia 15. Last evaluated: 2022-04-21. Review status: criteria provided, single submitter. Criteria: ACMG Guidelines, 2015. Collection method: clinical testing. Allele origin: unknown.

AiLife Diagnostics
Classification: Pathogenic. Last evaluated: 2022-03-22. Review status: criteria provided, single submitter. Criteria: ACMG Guidelines, 2015. Collection method: clinical testing. Allele origin: germline. Affected: yes. Observed: 2 variant alleles.

NM_017950.4(CCDC40):c.248del (p.Ala83fs)

Gene: CCDC40 (coiled-coil domain 40 molecular ruler complex subunit; plus strand). Cytogenetic location: 17q25.3.
Variant type: Deletion.
Coding change: c.248del on transcript NM_017950.4 (MANE Select); coding-DNA position 248, one base deleted (C; older notation c.248delC).
Protein change: p.Ala83fs; shifts the reading frame from alanine 83.
Molecular consequence: frameshift variant.
Genome position (GRCh38, 1-based): chr17:80,039,966, C deleted. VCF-style (leftmost placement, unchanged base first): chr17-80039965-GC-G. GRCh37 (hg19) VCF-style: chr17-78013764-GC-G.
Other names: p.Ala83Valfs*84; c.248del (NM_017950.3); c.248del, p.Ala83fs (NM_001243342.2, NM_001330508.2); short protein forms A83fs.
Identifiers: ClinVar variation 31069 (VCV000031069.85), dbSNP rs397515393, ClinGen allele CA338795.